The following is an entry in ClinVar:

ClinVar aggregate classification (germline): Pathogenic/Likely pathogenic. Review status: criteria provided, multiple submitters, no conflicts (2 of 4 stars). 4 submissions from 4 submitters: Pathogenic (3); Likely pathogenic (1). Last evaluated 2024-01-02.

Conditions:
Inborn genetic diseases. Identifiers: MedGen C0950123, MeSH D030342.

Submissions (4):

Ambry Genetics
Classification: Pathogenic for Inborn genetic diseases. Last evaluated: 2024-01-02. Review status: criteria provided, single submitter. Criteria: Ambry Variant Classification Scheme 2023. Collection method: clinical testing. Allele origin: germline.
Comment: The c.4649_4653dupGCAGC (p.P1552Afs*14) alteration, located in exon 22 (coding exon 22) of the SHANK3 gene, consists of a duplication of GCAGC at position 4649, causing a translational frameshift with a predicted alternate stop codon after 14 amino acids. This alteration occurs at the 3' terminus of the SHANK3 gene, is not expected to trigger nonsense-mediated mRNA decay, and only impacts the last 11% of the protein. However, premature stop codons are typically deleterious in nature, the impacted region is critical for protein function, and a significant portion of the protein is affected (Ambry internal data). This variant was not reported in population-based cohorts in the Genome Aggregation Database (gnomAD). This variant has been determined to be the result of a de novo mutation in one individual with features consistent with Phelan-McDermid syndrome (Kohlenberg, 2020). Based on the available evidence, this alteration is classified as pathogenic.

CeGaT Center for Human Genetics Tuebingen
Classification: Pathogenic. Last evaluated: 2023-09-01. Review status: criteria provided, single submitter. Criteria: CeGaT Center For Human Genetics Tuebingen Variant Classification Criteria Version 2. Collection method: clinical testing. Allele origin: germline. Affected: yes. Observed: 4 variant alleles.
Comment: SHANK3: PVS1:Strong, PM2, PS2:Moderate, PS4:Moderate

GeneDx
Classification: Pathogenic. Last evaluated: 2021-10-27. Review status: criteria provided, single submitter. Criteria: GeneDx Variant Classification Process June 2021. Collection method: clinical testing. Allele origin: germline. Affected: yes.
Comment: Frameshift variant predicted to result in protein truncation as the last 180 amino acids are replaced with 13 different amino acids, and other loss-of-function variants have been reported downstream in the Human Gene Mutation Database (Stenson et al., 2014); Not observed at significant frequency in large population cohorts (Lek et al., 2016); This variant is associated with the following publications: (PMID: 32050889)

Laboratory of Molecular Genetics (Pr. Bezieau's lab), CHU de Nantes
Classification: Likely pathogenic. Last evaluated: 2017-11-22. Review status: criteria provided, single submitter. Criteria: ACMG Guidelines, 2015. Collection method: clinical testing. Allele origin: germline. Affected: yes.

Literature cited by the submitters: PubMed 32050889 (cited by Ambry Genetics).

NM_001372044.2(SHANK3):c.4874_4878dup (p.Pro1627fs)

Gene: SHANK3 (SH3 and multiple ankyrin repeat domains 3; plus strand). Cytogenetic location: 22q13.33.
Variant type: Microsatellite.
Coding change: c.4874_4878dup on transcript NM_001372044.2 (MANE Select); coding-DNA positions 4874 to 4878, 5 bases duplicated (GCAGC; older notation c.4874_4878dupGCAGC).
Protein change: p.Pro1627fs; shifts the reading frame from proline 1627.
Molecular consequence: frameshift variant.
Genome position (GRCh38, 1-based): chr22:50,730,765-50,730,769, GCAGC duplicated; duplicating any 5 consecutive bases within chr22:50,730,756-50,730,769 gives the same sequence; the c. name uses the placement nearest the transcript's 3' end. VCF-style (leftmost placement, unchanged base first): chr22-50730755-T-TCAGCG. GRCh37 (hg19) VCF-style: chr22-51169183-T-TCAGCG.
Other names: c.4649_4653dupGCAGC (NM_033517.1); c.4649_4653dup (NM_033517.1); short protein forms P1627fs.
Identifiers: ClinVar variation 633510 (VCV000633510.47), dbSNP rs1603447373, ClinGen allele CA913190848.
Genomic context (GRCh38, chr22:50,730,755, plus strand): 5'-TGGCGCTGACCCCTCTCCCTCCGCAGGCTCTTCAGCAGCCTCGGTGAGCTGAGCTCCATT[T>TCAGCG]CAGCGCAGCGCAGCCCCGGGGGCCCGGGCGGCGGGGCCTCGTACTCGGTGAGGCCCAGTG-3'